The following is an entry in ClinVar:

ClinVar aggregate classification (germline): Uncertain significance (1 of 4 stars; one submission).

Conditions:
Developmental and epileptic encephalopathy, 18 (DEE18). Also called: Early infantile epileptic encephalopathy 18. Identifiers: Orphanet 369894, MedGen C3809624, MONDO:0014201, OMIM 615476.

Submission:

3billion
Classification: Uncertain significance for Developmental and epileptic encephalopathy, 18. Last evaluated: 2024-11-27. Review status: criteria provided, single submitter. Criteria: ACMG Guidelines, 2015. Collection method: clinical testing. Allele origin: germline. Affected: yes.
Comment: The variant is not observed in the gnomAD v4.1.0 dataset. Predicted Consequence/Location: Intron variant In silico tools do not predict the variant to alter splicing and produce an abnormal transcript [SpliceAI: 0.02 (<=0.1, moderate evidence for non-spliceogenicity)]. Functional analysis for splicing alteration may yield varying results. Therefore, this variant is classified as VUS according to the recommendation of ACMG/AMP guideline.

NM_001365999.1(SZT2):c.5274+81C>G

Gene: SZT2 (SZT2 subunit of KICSTOR complex; plus strand). Cytogenetic location: 1p34.2.
Variant type: single nucleotide variant.
Coding change: c.5274+81C>G on transcript NM_001365999.1 (MANE Select); 81 bases into the intron after coding-DNA position 5274, C replaced by G.
Molecular consequence: intron variant.
Genome position (GRCh38, 1-based): chr1:43,431,982, C>G. VCF-style: chr1-43431982-C-G. GRCh37 (hg19) VCF-style: chr1-43897653-C-G.
Other names: c.5103+81C>G (NM_015284.4).
Identifiers: ClinVar variation 4292173 (VCV004292173.1).
Genomic context (GRCh38, chr1:43,431,982, plus strand): 5'-TGCAGGGTCACCTTGGGGCCCGTCCTTCCCTGGGCCCCAGGCACAGGACTGGAAGGCCCT[C>G]TGTTAGTTCGAACTCATAGAGTTATCCCTCCTGTCTCCCTGCTCACCACATCATCTGCCC-3'